The following is an entry in ClinVar:

ClinVar aggregate classification (germline): Uncertain significance (1 of 4 stars; one submission).

Conditions:
Hereditary cancer-predisposing syndrome. Also called: Neoplastic Syndromes, Hereditary; Tumor predisposition; Hereditary Cancer Syndrome; Hereditary neoplastic syndrome. Identifiers: Orphanet 140162, MedGen C0027672, MeSH D009386, MONDO:0015356.

Submission:

Ambry Genetics
Classification: Uncertain significance for Hereditary cancer-predisposing syndrome. Last evaluated: 2024-08-29. Review status: criteria provided, single submitter. Criteria: Ambry Variant Classification Scheme 2023. Collection method: clinical testing. Allele origin: germline.
Comment: The p.S2242N variant (also known as c.6725G>A), located in coding exon 15 of the APC gene, results from a G to A substitution at nucleotide position 6725. The serine at codon 2242 is replaced by asparagine, an amino acid with highly similar properties. This amino acid position is well conserved in available vertebrate species. Based on the available evidence, the clinical significance of this variant remains unclear.

NM_000038.6(APC):c.6725G>A (p.Ser2242Asn)

Gene: APC (APC regulator of Wnt signaling pathway; plus strand). Cytogenetic location: 5q22.2.
Variant type: single nucleotide variant.
Coding change: c.6725G>A on transcript NM_000038.6 (MANE Select); coding-DNA position 6725, G replaced by A.
Protein change: p.Ser2242Asn; replaces serine 2242 with asparagine.
Molecular consequence: missense variant. On other transcripts: non-coding transcript variant (2).
Genome position (GRCh38, 1-based): chr5:112,842,319, G>A. VCF-style: chr5-112842319-G-A. GRCh37 (hg19) VCF-style: chr5-112178016-G-A.
Other names: c.6725G>A, p.Ser2242Asn (NM_001127510.3, NM_001354895.2, NM_001407450.1); c.6671G>A, p.Ser2224Asn (NM_001127511.3); c.6779G>A, p.Ser2260Asn (NM_001354896.2, NM_001407447.1, NM_001407448.1 and 1 more transcripts); c.6755G>A, p.Ser2252Asn (NM_001354897.2); c.6650G>A, p.Ser2217Asn (NM_001354898.2); c.6641G>A, p.Ser2214Asn (NM_001354899.2); c.6602G>A, p.Ser2201Asn (NM_001354900.2); c.6548G>A, p.Ser2183Asn (NM_001354901.2, NM_001407453.1); and 11 more; short protein forms S2232N, S2242N, S2113N, S2151N, S2183N, S2224N, S2252N, S1858N.
Identifiers: ClinVar variation 3410283 (VCV003410283.1).